The following is an entry in ClinVar:

ClinVar aggregate classification (germline): Likely benign (1 of 4 stars; one submission).

Allele frequency attached by ClinVar (database versions not stated): 1000 Genomes Project 0.00240; 1000 Genomes Project 30x 0.00281; gnomAD 0.00293; gnomAD exomes 0.00326; ExAC 0.00362; ESP Exome Variant Server 0.00384.
gnomAD v4.1: 5,332 of 1,614,198 alleles (0.33%); highest among the groups gnomAD compares: Middle Eastern, 2.7%; 32 homozygotes.

Submission:

CeGaT Center for Human Genetics Tuebingen
Classification: Likely benign. Last evaluated: 2023-03-01. Review status: criteria provided, single submitter. Criteria: CeGaT Center For Human Genetics Tuebingen Variant Classification Criteria Version 2. Collection method: clinical testing. Allele origin: germline. Affected: yes. Observed: 3 variant alleles.
Comment: PCDHB9: BP4, BP7

NM_019119.5(PCDHB9):c.585G>T (p.Val195=)

Genes: PCDHB9 (protocadherin beta 9; plus strand), PCDHB@ (protocadherin beta cluster; plus strand). Cytogenetic location: 5q31.3.
Variant type: single nucleotide variant.
Coding change: c.585G>T on transcript NM_019119.5 (MANE Select); coding-DNA position 585, G replaced by T.
Protein change: p.Val195=; no amino-acid change (valine 195 retained).
Molecular consequence: synonymous variant.
Genome position (GRCh38, 1-based): chr5:141,187,903, G>T. VCF-style: chr5-141187903-G-T. GRCh37 (hg19) VCF-style: chr5-140567477-G-T.
Identifiers: ClinVar variation 2655824 (VCV002655824.24), dbSNP rs183741474, ClinGen allele CA3460836.
Genomic context (GRCh38, chr5:141,187,903, plus strand): 5'-CTCTTTTTTCCATATTAAAATTAGTGGCAGTGATGAAGGCATGATATATCCAGAGCTAGT[G>T]TTGGACAAAGCACTGGATCGGGAGGAGCAGGAAGAGCTCAGCTTAACCCTCACAGCGCTG-3'
Protein context (NP_061992.3, residues 185-205): SDEGMIYPEL[Val195=]LDKALDREEQ